The following is an entry in ClinVar:

ClinVar aggregate classification (germline): Uncertain significance. Review status: criteria provided, multiple submitters, no conflicts (2 of 4 stars). 3 submissions from 3 submitters: Uncertain significance (3). Last evaluated 2025-08-28.

Conditions:
Developmental and epileptic encephalopathy, 46 (DEE46). Also called: Epileptic encephalopathy, early infantile, 46; GRIN2D-Related Developmental and Epileptic Encephalopathy. Identifiers: MedGen C4310687, MONDO:0014947, OMIM 617162.
Inborn genetic diseases. Identifiers: MedGen C0950123, MeSH D030342.

Allele frequency attached by ClinVar (database versions not stated): gnomAD exomes below 0.00001 and 0.00001; gnomAD 0.00003 and 0.00004; TOPMed 0.00004.
gnomAD v4.1: 22 of 1,613,830 alleles (0.0014%); highest among the groups gnomAD compares: African/African-American, 0.016%; no homozygotes.

Submissions (3):

Ambry Genetics
Classification: Uncertain significance for Inborn genetic diseases. Last evaluated: 2025-08-28. Review status: criteria provided, single submitter. Criteria: Ambry Variant Classification Scheme 2023. Collection method: clinical testing. Allele origin: germline.

Labcorp Genetics (formerly Invitae), Labcorp
Classification: Uncertain significance. Last evaluated: 2025-03-29. Review status: criteria provided, single submitter. Criteria: Invitae Variant Classification Sherloc (09022015). Collection method: clinical testing. Allele origin: germline.
Comment: This sequence change replaces tryptophan, which is neutral and slightly polar, with arginine, which is basic and polar, at codon 871 of the GRIN2D protein (p.Trp871Arg). This variant is present in population databases (no rsID available, gnomAD 0.02%). This variant has not been reported in the literature in individuals affected with GRIN2D-related conditions. ClinVar contains an entry for this variant (Variation ID: 1031670). Invitae Evidence Modeling of protein sequence and biophysical properties (such as structural, functional, and spatial information, amino acid conservation, physicochemical variation, residue mobility, and thermodynamic stability) indicates that this missense variant is not expected to disrupt GRIN2D protein function with a negative predictive value of 80%. In summary, the available evidence is currently insufficient to determine the role of this variant in disease. Therefore, it has been classified as a Variant of Uncertain Significance.

Baylor Genetics
Classification: Uncertain significance for Developmental and epileptic encephalopathy, 46. Last evaluated: 2018-08-06. Review status: criteria provided, single submitter. Criteria: ACMG Guidelines, 2015. Collection method: clinical testing. Allele origin: paternal. Affected: yes.
Comment: This variant was determined to be of uncertain significance according to ACMG Guidelines, 2015 [PMID:25741868].

NM_000836.4(GRIN2D):c.2611T>C (p.Trp871Arg)

Gene: GRIN2D (glutamate ionotropic receptor NMDA type subunit 2D; plus strand). Cytogenetic location: 19q13.33.
Variant type: single nucleotide variant.
Coding change: c.2611T>C on transcript NM_000836.4 (MANE Select); coding-DNA position 2611, T replaced by C.
Protein change: p.Trp871Arg; replaces tryptophan 871 with arginine.
Molecular consequence: missense variant.
Genome position (GRCh38, 1-based): chr19:48,442,320, T>C. VCF-style: chr19-48442320-T-C. GRCh37 (hg19) VCF-style: chr19-48945577-T-C.
Other names: short protein forms W871R.
Identifiers: ClinVar variation 1031670 (VCV001031670.10), dbSNP rs1229429201, ClinGen allele CA406670400.